The following is an entry in ClinVar:

ClinVar aggregate classification (germline): Uncertain significance. Review status: criteria provided, multiple submitters, no conflicts (2 of 4 stars). 2 submissions from 2 submitters: Uncertain significance (2). Last evaluated 2025-10-19.

Conditions:
Epidermolysis bullosa simplex with nail dystrophy (EBS5D). Identifiers: MedGen C4225309, MONDO:0014661, OMIM 616487.
Epidermolysis bullosa simplex 5C, with pyloric atresia (EBS5C). Also called: PLEC-Related Epidermolysis Bullosa with Pyloric Atresia; Epidermolysis bullosa simplex with pyloric atresia; PLEC1-Related Epidermolysis Bullosa with Pyloric Atresia. Identifiers: Orphanet 158684, MedGen C2677349, MONDO:0012807, OMIM 612138.
Epidermolysis bullosa simplex 5B, with muscular dystrophy (EBS5B). Also called: Epidermolysis bullosa simplex with muscular dystrophy; EPIDERMOLYSIS BULLOSA SIMPLEX AND LIMB-GIRDLE MUSCULAR DYSTROPHY. Identifiers: Orphanet 257, MedGen C2931072, MONDO:0009181, OMIM 226670.
Epidermolysis bullosa simplex, Ogna type (EBS5A). Also called: Pidermolysis bullosa simplex 5A, Ogna type; EPIDERMOLYSIS BULLOSA SIMPLEX 5A, OGNA TYPE. Identifiers: Orphanet 79401, MedGen C0432317, MONDO:0007555, OMIM 131950.
Autosomal recessive limb-girdle muscular dystrophy type 2Q (LGMDR17). Also called: MUSCULAR DYSTROPHY, LIMB-GIRDLE, AUTOSOMAL RECESSIVE 17. Identifiers: Orphanet 254361, MedGen C3150989, MONDO:0013390, OMIM 613723.
Inborn genetic diseases. Identifiers: MedGen C0950123, MeSH D030342.

Allele frequency attached by ClinVar (database versions not stated): gnomAD exomes below 0.00001 and 0.00002; gnomAD 0.00001; TOPMed 0.00002; ExAC 0.00003; ESP Exome Variant Server 0.00008.
gnomAD v4.1: 7 of 1,611,234 alleles (0.00043%); highest among the groups gnomAD compares: East Asian, 0.0022%; no homozygotes.

Submissions (2):

Labcorp Genetics (formerly Invitae), Labcorp
Classification: Uncertain significance for Autosomal recessive limb-girdle muscular dystrophy type 2Q; Epidermolysis bullosa simplex, Ogna type; Epidermolysis bullosa simplex with nail dystrophy; Epidermolysis bullosa simplex 5C, with pyloric atresia; Epidermolysis bullosa simplex 5B, with muscular dystrophy. Last evaluated: 2025-10-19. Review status: criteria provided, single submitter. Criteria: Invitae Variant Classification Sherloc (09022015). Collection method: clinical testing. Allele origin: germline.
Comment: This sequence change replaces glutamic acid, which is acidic and polar, with lysine, which is basic and polar, at codon 3457 of the PLEC protein (p.Glu3457Lys). This variant is present in population databases (rs368781937, gnomAD 0.007%). This variant has not been reported in the literature in individuals affected with PLEC-related conditions. ClinVar contains an entry for this variant (Variation ID: 1059608). Invitae Evidence Modeling of protein sequence and biophysical properties (such as structural, functional, and spatial information, amino acid conservation, physicochemical variation, residue mobility, and thermodynamic stability) has been performed for this missense variant. However, the output from this modeling did not meet the statistical confidence thresholds required to predict the impact of this variant on PLEC protein function. In summary, the available evidence is currently insufficient to determine the role of this variant in disease. Therefore, it has been classified as a Variant of Uncertain Significance.

Ambry Genetics
Classification: Uncertain significance for Inborn genetic diseases. Last evaluated: 2023-12-27. Review status: criteria provided, single submitter. Criteria: Ambry Variant Classification Scheme 2023. Collection method: clinical testing. Allele origin: germline.

NM_201384.3(PLEC):c.10288G>A (p.Glu3430Lys)

Gene: PLEC (plectin; minus strand). Cytogenetic location: 8q24.3.
Variant type: single nucleotide variant.
Coding change: c.10288G>A on transcript NM_201384.3 (MANE Select); coding-DNA position 10288, G replaced by A.
Protein change: p.Glu3430Lys; replaces glutamic acid 3430 with lysine.
Molecular consequence: missense variant.
Genome position (GRCh38, 1-based): chr8:143,919,533, C>T on the plus strand (G>A on the coding strand, the complement: PLEC is on the minus strand). VCF-style: chr8-143919533-C-T. GRCh37 (hg19) VCF-style: chr8-144993701-C-T.
Other names: c.10369G>A, p.Glu3457Lys (NM_000445.5); c.10246G>A, p.Glu3416Lys (NM_201378.4); c.10222G>A, p.Glu3408Lys (NM_201379.3); c.10699G>A, p.Glu3567Lys (NM_201380.4); c.10192G>A, p.Glu3398Lys (NM_201381.3); c.10288G>A, p.Glu3430Lys (NM_201382.4); c.10300G>A, p.Glu3434Lys (NM_201383.3); c.10369G>A (NM_000445.3); short protein forms E3398K, E3408K, E3416K, E3430K, E3434K, E3457K, E3567K.
Identifiers: ClinVar variation 1059608 (VCV001059608.10), dbSNP rs368781937, ClinGen allele CA4924699.